The following is an entry in ClinVar:

NM_145868.2(ANXA11):c.689G>A (p.Arg230His)

Gene: ANXA11 (annexin A11; minus strand). Cytogenetic location: 10q22.3.
Variant type: single nucleotide variant.
Coding change: c.689G>A on transcript NM_145868.2 (MANE Select); coding-DNA position 689, G replaced by A.
Protein change: p.Arg230His; replaces arginine 230 with histidine.
Molecular consequence: missense variant.
Genome position (GRCh38, 1-based): chr10:80,166,945, C>T on the plus strand (G>A on the coding strand, the complement: ANXA11 is on the minus strand). VCF-style: chr10-80166945-C-T. GRCh37 (hg19) VCF-style: chr10-81926701-C-T.
Other names: c.689G>A, p.Arg230His (NM_001157.3, NM_001278407.2, NM_001278408.2 and 1 more transcripts); c.590G>A, p.Arg197His (NM_001278409.2); short protein forms R197H, R230H.
Identifiers: ClinVar variation 1941894 (VCV001941894.5), dbSNP rs942671551, ClinGen allele CA210330634.

ClinVar aggregate classification (germline): Uncertain significance (1 of 4 stars; one submission).

gnomAD v4.1: 7 of 1,609,146 alleles (0.00044%); highest among the groups gnomAD compares: African/African-American, 0.0094%; no homozygotes.

Submission:

Labcorp Genetics (formerly Invitae), Labcorp
Classification: Uncertain significance. Last evaluated: 2022-02-24. Review status: criteria provided, single submitter. Criteria: Invitae Variant Classification Sherloc (09022015). Collection method: clinical testing. Allele origin: germline.
Comment: In summary, the available evidence is currently insufficient to determine the role of this variant in disease. Therefore, it has been classified as a Variant of Uncertain Significance. Algorithms developed to predict the effect of missense changes on protein structure and function are either unavailable or do not agree on the potential impact of this missense change (SIFT: "Deleterious"; PolyPhen-2: "Probably Damaging"; Align-GVGD: "Class C0"). This variant has not been reported in the literature in individuals affected with ANXA11-related conditions. The frequency data for this variant in the population databases is considered unreliable, as metrics indicate poor data quality at this position in the gnomAD database. This sequence change replaces arginine, which is basic and polar, with histidine, which is basic and polar, at codon 230 of the ANXA11 protein (p.Arg230His).